The following is an entry in ClinVar:

ClinVar aggregate classification (germline): Benign/Likely benign. Review status: criteria provided, multiple submitters, no conflicts (2 of 4 stars). 12 submissions from 11 submitters: Benign (9); Likely benign (1). 2 of the submissions do not count toward it. Last evaluated 2026-04-14.

Conditions:
Low phospholipid associated cholelithiasis (GBD1). Also called: Gallstone cholecystitis; Gallbladder disease 1. Identifiers: Orphanet 69663, MedGen C2609268, MONDO:0010939, OMIM 600803.
Familial intrahepatic cholestasis. Identifiers: Orphanet 284385, MedGen CN296401, MONDO:0017290.
Cholestasis, intrahepatic, of pregnancy, 3. Identifiers: Orphanet 69665, MedGen C3554241, MONDO:0013995, OMIM 614972.
Progressive familial intrahepatic cholestasis type 3. Also called: Low Gamma-GT Familial Intrahepatic Cholestasis; MDR3 DEFICIENCY. Identifiers: Orphanet 79305, MedGen C1865643, MONDO:0011214, OMIM 602347.

Allele frequency attached by ClinVar (database versions not stated): 1000 Genomes Project 0.87999; 1000 Genomes Project 30x 0.88429; gnomAD exomes 0.88706; gnomAD 0.91016 and 0.91450; TOPMed 0.91174; ESP Exome Variant Server 0.92342.
gnomAD v4.1: 1,432,462 of 1,610,832 alleles (89%); highest among the groups gnomAD compares: African/African-American, 98%; 638,677 homozygotes.

Submissions (12):

Genomenon, Inc
Classification: Benign for Familial intrahepatic cholestasis; Low phospholipid associated cholelithiasis. Last evaluated: 2026-04-14. Review status: criteria provided, single submitter. Criteria: Genomenon Sequence Variant Interpretation Standards - Updated. Collection method: curation. Allele origin: germline. Affected: no.
Comment: ABCB4 c.3487-16T>C is an intronic variant located in the acceptor splice region of intron 26. This variant is present at high allele frequency in population databases. We classify ABCB4 c.3487-16T>C as a benign variant.

Labcorp Genetics (formerly Invitae), Labcorp
Classification: Benign. Last evaluated: 2026-02-04. Review status: criteria provided, single submitter. Criteria: Invitae Variant Classification Sherloc (09022015). Collection method: clinical testing. Allele origin: germline.

Women's Health and Genetics/Laboratory Corporation of America, LabCorp
Classification: Benign. Last evaluated: 2025-12-26. Review status: criteria provided, single submitter. Criteria: LabCorp Variant Classification Summary - May 2015. Collection method: clinical testing. Allele origin: germline.

Blueprint Genetics
Classification: Likely benign. Last evaluated: 2024-11-27. Review status: criteria provided, single submitter. Criteria: ACMG Guidelines, 2015. Collection method: clinical testing. Allele origin: germline.

Mayo Clinic Laboratories, Mayo Clinic
Classification: Benign. Last evaluated: 2022-05-05. Review status: criteria provided, single submitter. Criteria: ACMG Guidelines, 2015. Collection method: clinical testing. Allele origin: germline. Observed: 532 variant alleles.

Genome-Nilou Lab
Classification: Benign for Cholestasis, intrahepatic, of pregnancy, 3. Last evaluated: 2021-07-14. Review status: criteria provided, single submitter. Criteria: ACMG Guidelines, 2015. Collection method: clinical testing. Allele origin: germline. Affected: no.

Genome-Nilou Lab
Classification: Benign for Progressive familial intrahepatic cholestasis type 3. Last evaluated: 2021-07-14. Review status: criteria provided, single submitter. Criteria: ACMG Guidelines, 2015. Collection method: clinical testing. Allele origin: germline. Affected: no.

GeneDx
Classification: Benign. Last evaluated: 2015-12-02. Review status: criteria provided, single submitter. Criteria: GeneDx Variant Classification (06012015). Collection method: clinical testing. Allele origin: germline. Affected: yes.
Comment: This variant is considered likely benign or benign based on one or more of the following criteria: it is a conservative change, it occurs at a poorly conserved position in the protein, it is predicted to be benign by multiple in silico algorithms, and/or has population frequency not consistent with disease.

Breakthrough Genomics
Classification: Benign. Review status: criteria provided, single submitter. Criteria: ACMG Guidelines, 2015. Collection method: not provided. Allele origin: germline. Inheritance: Autosomal recessive inheritance. Affected: yes.

PreventionGenetics, part of Exact Sciences
Classification: Benign. Review status: criteria provided, single submitter. Criteria: ACMG Guidelines, 2015. Collection method: clinical testing. Allele origin: germline.

Diagnostic Laboratory, Department of Genetics, University Medical Center Groningen
Classification: Benign. Review status: no assertion criteria provided. Collection method: clinical testing. Allele origin: germline. Affected: yes. Study: VKGL Data-share Consensus. Not counted in ClinVar's aggregate classification.

Joint Genome Diagnostic Labs from Nijmegen and Maastricht, Radboudumc and MUMC+
Classification: Benign. Review status: no assertion criteria provided. Collection method: clinical testing. Allele origin: germline. Affected: yes. Study: VKGL Data-share Consensus. Not counted in ClinVar's aggregate classification.

NM_000443.4(ABCB4):c.3487-16T>C

Gene: ABCB4 (ATP binding cassette subfamily B member 4; minus strand). Cytogenetic location: 7q21.12.
Variant type: single nucleotide variant.
Coding change: c.3487-16T>C on transcript NM_000443.4 (MANE Select); 16 bases into the intron before coding-DNA position 3487, T replaced by C.
Molecular consequence: intron variant.
Genome position (GRCh38, 1-based): chr7:87,403,297, A>G on the plus strand (T>C on the coding strand, the complement: ABCB4 is on the minus strand). VCF-style: chr7-87403297-A-G. GRCh37 (hg19) VCF-style: chr7-87032613-A-G.
Other names: p.?; c.3346-16T>C (NM_018850.3); c.3508-16T>C (NM_018849.3).
Identifiers: ClinVar variation 256164 (VCV000256164.24), dbSNP rs31653, ClinGen allele CA4326745.